The following is an entry in ClinVar:

NM_001868.4(CPA1):c.845C>T (p.Ser282Phe)

Gene: CPA1 (carboxypeptidase A1; plus strand). Cytogenetic location: 7q32.2.
Variant type: single nucleotide variant.
Coding change: c.845C>T on transcript NM_001868.4 (MANE Select); coding-DNA position 845, C replaced by T.
Protein change: p.Ser282Phe; replaces serine 282 with phenylalanine.
Molecular consequence: missense variant.
Genome position (GRCh38, 1-based): chr7:130,385,203, C>T. VCF-style: chr7-130385203-C-T. GRCh37 (hg19) VCF-style: chr7-130025044-C-T.
Other names: short protein forms S282F.
Identifiers: ClinVar variation 3269095 (VCV003269095.1).

ClinVar aggregate classification (germline): Uncertain significance (1 of 4 stars; one submission).

Conditions:
Hereditary pancreatitis (PCTT). Also called: Hereditary chronic pancreatitis; PRSS1-Related Hereditary Pancreatitis. Identifiers: Orphanet 676, MedGen C0238339, MONDO:0008185, OMIM 167800.

Submission:

Ambry Genetics
Classification: Uncertain significance for Hereditary pancreatitis. Last evaluated: 2024-05-28. Review status: criteria provided, single submitter. Criteria: Ambry Variant Classification Scheme 2023. Collection method: clinical testing. Allele origin: germline.
Comment: The p.S282F variant (also known as c.845C>T), located in coding exon 8 of the CPA1 gene, results from a C to T substitution at nucleotide position 845. The serine at codon 282 is replaced by phenylalanine, an amino acid with highly dissimilar properties. This amino acid position is highly conserved in available vertebrate species. In addition, the in silico prediction for this alteration is inconclusive. Based on the available evidence, the clinical significance of this variant remains unclear.